The following is an entry in ClinVar:

ClinVar aggregate classification (germline): Uncertain significance. Review status: criteria provided, multiple submitters, no conflicts (2 of 4 stars). 3 submissions from 3 submitters: Uncertain significance (3). Last evaluated 2024-09-22.

Conditions:
Developmental and epileptic encephalopathy, 31A. Also called: Developmental and epileptic encephalopathy, 31; Epileptic encephalopathy, early infantile, 31. Identifiers: Orphanet 2382, MedGen C4225357, MONDO:0014598, OMIM 616346.

Allele frequency attached by ClinVar (database versions not stated): gnomAD exomes below 0.00001 and 0.00001; ExAC 0.00001.
gnomAD v4.1: 7 of 1,610,152 alleles (0.00043%); highest among the groups gnomAD compares: East Asian, 0.0045%; no homozygotes.

Submissions (3):

Genomic Medicine Center of Excellence, King Faisal Specialist Hospital and Research Centre
Classification: Uncertain significance for Developmental and epileptic encephalopathy, 31A. Last evaluated: 2024-09-22. Review status: criteria provided, single submitter. Criteria: ACMG Guidelines, 2015. Collection method: clinical testing. Allele origin: germline.

Labcorp Genetics (formerly Invitae), Labcorp
Classification: Uncertain significance for Developmental and epileptic encephalopathy, 31A. Last evaluated: 2024-03-27. Review status: criteria provided, single submitter. Criteria: Invitae Variant Classification Sherloc (09022015). Collection method: clinical testing. Allele origin: germline.
Comment: This sequence change replaces arginine, which is basic and polar, with histidine, which is basic and polar, at codon 217 of the DNM1 protein (p.Arg217His). This variant is present in population databases (rs753953686, gnomAD 0.006%). This variant has not been reported in the literature in individuals affected with DNM1-related conditions. ClinVar contains an entry for this variant (Variation ID: 957158). Advanced modeling of protein sequence and biophysical properties (such as structural, functional, and spatial information, amino acid conservation, physicochemical variation, residue mobility, and thermodynamic stability) performed at Invitae indicates that this missense variant is expected to disrupt DNM1 protein function with a positive predictive value of 80%. In summary, the available evidence is currently insufficient to determine the role of this variant in disease. Therefore, it has been classified as a Variant of Uncertain Significance.

Fulgent Genetics
Classification: Uncertain significance for Developmental and epileptic encephalopathy, 31A. Last evaluated: 2021-08-05. Review status: criteria provided, single submitter. Criteria: ACMG Guidelines, 2015. Collection method: clinical testing. Allele origin: unknown.

NM_004408.4(DNM1):c.650G>A (p.Arg217His)

Gene: DNM1 (dynamin 1; plus strand). Cytogenetic location: 9q34.11.
Variant type: single nucleotide variant.
Coding change: c.650G>A on transcript NM_004408.4 (MANE Select); coding-DNA position 650, G replaced by A.
Protein change: p.Arg217His; replaces arginine 217 with histidine.
Molecular consequence: missense variant.
Genome position (GRCh38, 1-based): chr9:128,220,048, G>A. VCF-style: chr9-128220048-G-A. GRCh37 (hg19) VCF-style: chr9-130982327-G-A.
Other names: c.650G>A, p.Arg217His (NM_001005336.3, NM_001288737.2, NM_001288738.2 and 2 more transcripts); short protein forms R217H.
Identifiers: ClinVar variation 957158 (VCV000957158.12), dbSNP rs753953686, ClinGen allele CA5257852.